The following is an entry in ClinVar:

NM_000053.4(ATP7B):c.1174del (p.Val392fs)

Gene: ATP7B (ATPase copper transporting beta; minus strand). Cytogenetic location: 13q14.3.
Variant type: Deletion.
Coding change: c.1174del on transcript NM_000053.4 (MANE Select); coding-DNA position 1174, one base deleted (G; older notation c.1174delG).
Protein change: p.Val392fs; shifts the reading frame from valine 392.
Molecular consequence: frameshift variant.
Genome position (GRCh38, 1-based): chr13:51,974,046, C deleted on the plus strand (G on the coding strand, the reverse complement: ATP7B is on the minus strand); the first of 2 consecutive C bases (chr13:51,974,046-51,974,047); deleting either gives the same sequence. VCF-style (leftmost placement, unchanged base first): chr13-51974045-AC-A. GRCh37 (hg19) VCF-style: chr13-52548181-AC-A.
Other names: c.1174del, p.Val392fs (NM_001005918.3, NM_001330578.2, NM_001330579.2); c.841del, p.Val281fs (NM_001243182.2); short protein forms V281fs, V392fs.
Identifiers: ClinVar variation 1365600 (VCV001365600.7), dbSNP rs2140069931, ClinGen allele CA2573149667.
Genomic context (GRCh38, chr13:51,974,045, plus strand): 5'-TCTTCTGGGCTAATTACAGAGGGATTATAAAGAACTGTTGCAGTCCCTTCGGCCAAAGAC[AC>A]CGATATTTGCTGCACCCCTTCCAGTTGGGAGATCATGCCTTCAATGGAATGGACACAGGA-3'

ClinVar aggregate classification (germline): Pathogenic (1 of 4 stars; one submission).

Conditions:
Wilson disease (WND). Also called: Wilson's disease. Identifiers: Orphanet 905, MedGen C0019202, MONDO:0010200, OMIM 277900. Disease mechanism: loss of function.

Submission:

Labcorp Genetics (formerly Invitae), Labcorp
Classification: Pathogenic for Wilson disease. Last evaluated: 2022-04-08. Review status: criteria provided, single submitter. Criteria: Invitae Variant Classification Sherloc (09022015). Collection method: clinical testing. Allele origin: germline.
Comment: For these reasons, this variant has been classified as Pathogenic. This variant has not been reported in the literature in individuals affected with ATP7B-related conditions. This variant is not present in population databases (gnomAD no frequency). This sequence change creates a premature translational stop signal (p.Val392Cysfs*16) in the ATP7B gene. It is expected to result in an absent or disrupted protein product. Loss-of-function variants in ATP7B are known to be pathogenic (PMID: 10441329, 16283883).

Literature cited by the submitters: PubMed 10441329; PubMed 16283883.